The following is an entry in ClinVar:

ClinVar aggregate classification (germline): Uncertain significance. Review status: criteria provided, multiple submitters, no conflicts (2 of 4 stars). 2 submissions from 2 submitters: Uncertain significance (2). Last evaluated 2023-03-22.

Conditions:
Short-rib thoracic dysplasia 13 with or without polydactyly (SRTD13). Identifiers: Orphanet 474, MedGen C4225378, MONDO:0014577, OMIM 616300.

Allele frequency attached by ClinVar (database versions not stated): TOPMed 0.00008; gnomAD 0.00011; ESP Exome Variant Server 0.00015.
gnomAD v4.1: 180 of 1,603,772 alleles (0.011%); highest among the groups gnomAD compares: Non-Finnish European, 0.014%; no homozygotes.

Submissions (2):

GeneDx
Classification: Uncertain significance. Last evaluated: 2023-03-22. Review status: criteria provided, single submitter. Criteria: GeneDx Variant Classification Process June 2021. Collection method: clinical testing. Allele origin: germline. Affected: yes.
Comment: Not observed at significant frequency in large population cohorts (gnomAD); In silico analysis supports that this missense variant has a deleterious effect on protein structure/function; Has not been previously published as pathogenic or benign to our knowledge

Labcorp Genetics (formerly Invitae), Labcorp
Classification: Uncertain significance for Short-rib thoracic dysplasia 13 with or without polydactyly. Last evaluated: 2022-06-19. Review status: criteria provided, single submitter. Criteria: Invitae Variant Classification Sherloc (09022015). Collection method: clinical testing. Allele origin: germline.
Comment: This sequence change replaces glutamine, which is neutral and polar, with leucine, which is neutral and non-polar, at codon 587 of the CEP120 protein (p.Gln587Leu). This variant is present in population databases (rs147430819, gnomAD 0.01%). This variant has not been reported in the literature in individuals affected with CEP120-related conditions. ClinVar contains an entry for this variant (Variation ID: 1179627). Algorithms developed to predict the effect of missense changes on protein structure and function are either unavailable or do not agree on the potential impact of this missense change (SIFT: "Deleterious"; PolyPhen-2: "Benign"; Align-GVGD: "Class C35"). Algorithms developed to predict the effect of sequence changes on RNA splicing suggest that this variant may disrupt the consensus splice site. In summary, the available evidence is currently insufficient to determine the role of this variant in disease. Therefore, it has been classified as a Variant of Uncertain Significance.

NM_001375405.1(CEP120):c.1760A>T (p.Gln587Leu)

Gene: CEP120 (centrosomal protein 120; minus strand). Cytogenetic location: 5q23.2.
Variant type: single nucleotide variant.
Coding change: c.1760A>T on transcript NM_001375405.1 (MANE Select); coding-DNA position 1760, A replaced by T.
Protein change: p.Gln587Leu; replaces glutamine 587 with leucine.
Molecular consequence: missense variant. On other transcripts: non-coding transcript variant (1).
Genome position (GRCh38, 1-based): chr5:123,384,954, T>A on the plus strand (A>T on the coding strand, the complement: CEP120 is on the minus strand). VCF-style: chr5-123384954-T-A. GRCh37 (hg19) VCF-style: chr5-122720648-T-A.
Other names: c.1760A>T, p.Gln587Leu (NM_153223.4, NM_001375407.1); c.1682A>T, p.Gln561Leu (NM_001166226.2); c.1625A>T, p.Gln542Leu (NM_001375406.1); c.1187A>T, p.Gln396Leu (NM_001375408.1, NM_001375409.1); short protein forms Q396L, Q542L, Q561L, Q587L.
Identifiers: ClinVar variation 1179627 (VCV001179627.6), dbSNP rs147430819, ClinGen allele CA3386884.